The following is an entry in ClinVar:

ClinVar aggregate classification (germline): Uncertain significance (1 of 4 stars; one submission).

Submission:

Labcorp Genetics (formerly Invitae), Labcorp
Classification: Uncertain significance. Last evaluated: 2025-07-15. Review status: criteria provided, single submitter. Criteria: Invitae Variant Classification Sherloc (09022015). Collection method: clinical testing. Allele origin: germline.
Comment: This sequence change replaces glycine, which is neutral and non-polar, with arginine, which is basic and polar, at codon 1853 of the KAT6A protein (p.Gly1853Arg). This variant is not present in population databases (gnomAD no frequency). This variant has not been reported in the literature in individuals affected with KAT6A-related conditions. Invitae Evidence Modeling of protein sequence and biophysical properties (such as structural, functional, and spatial information, amino acid conservation, physicochemical variation, residue mobility, and thermodynamic stability) indicates that this missense variant is not expected to disrupt KAT6A protein function with a negative predictive value of 95%. In summary, the available evidence is currently insufficient to determine the role of this variant in disease. Therefore, it has been classified as a Variant of Uncertain Significance.

NM_006766.5(KAT6A):c.5557G>A (p.Gly1853Arg)

Gene: KAT6A (lysine acetyltransferase 6A; minus strand). Cytogenetic location: 8p11.21.
Variant type: single nucleotide variant.
Coding change: c.5557G>A on transcript NM_006766.5 (MANE Select); coding-DNA position 5557, G replaced by A.
Protein change: p.Gly1853Arg; replaces glycine 1853 with arginine.
Molecular consequence: missense variant.
Genome position (GRCh38, 1-based): chr8:41,932,663, C>T on the plus strand (G>A on the coding strand, the complement: KAT6A is on the minus strand). VCF-style: chr8-41932663-C-T. GRCh37 (hg19) VCF-style: chr8-41790181-C-T.
Other names: short protein forms G1853R.
Identifiers: ClinVar variation 4692804 (VCV004692804.1).